The following is an entry in ClinVar:

NM_000038.6(APC):c.94A>G (p.Asn32Asp)

Gene: APC (APC regulator of Wnt signaling pathway; plus strand). Cytogenetic location: 5q22.2.
Variant type: single nucleotide variant.
Coding change: c.94A>G on transcript NM_000038.6 (MANE Select); coding-DNA position 94, A replaced by G.
Protein change: p.Asn32Asp; replaces asparagine 32 with aspartic acid.
Molecular consequence: missense variant. On other transcripts: 5 prime UTR variant (1), intron variant (8).
Genome position (GRCh38, 1-based): chr5:112,754,984, A>G. VCF-style: chr5-112754984-A-G. GRCh37 (hg19) VCF-style: chr5-112090681-A-G.
Other names: c.94A>G, p.Asn32Asp (NM_001127510.3, NM_001354895.2, NM_001354896.2 and 2 more transcripts); c.-942A>G (NM_001354906.2); c.166-11342A>G (NM_001354897.2, NM_001354902.2, NM_001127511.3); c.61-11342A>G (NM_001354898.2, NM_001354904.2); c.-42-11342A>G (NM_001354900.2, NM_001354901.2, NM_001354905.2); short protein forms N32D.
Identifiers: ClinVar variation 141735 (VCV000141735.16), dbSNP rs587781972, ClinGen allele CA016000.

ClinVar aggregate classification (germline): Uncertain significance. Review status: criteria provided, multiple submitters, no conflicts (2 of 4 stars). 3 submissions from 3 submitters: Uncertain significance (3). Last evaluated 2026-01-25.

Conditions:
Hereditary cancer-predisposing syndrome. Also called: Neoplastic Syndromes, Hereditary; Tumor predisposition; Hereditary Cancer Syndrome; Hereditary neoplastic syndrome. Identifiers: Orphanet 140162, MedGen C0027672, MeSH D009386, MONDO:0015356.
Familial adenomatous polyposis 1 (FAP1). Also called: FAMILIAL ADENOMATOUS POLYPOSIS 1, ATTENUATED; POLYPOSIS, ADENOMATOUS INTESTINAL. Identifiers: MedGen C2713442, MONDO:0021056, OMIM 175100. Disease mechanism: loss of function.

Allele frequency attached by ClinVar (database versions not stated): gnomAD exomes below 0.00001.
gnomAD v4.1: 3 of 1,613,846 alleles (0.00019%); highest among the groups gnomAD compares: African/African-American, 0.0013%; no homozygotes.

Submissions (3):

Labcorp Genetics (formerly Invitae), Labcorp
Classification: Uncertain significance for Familial adenomatous polyposis 1. Last evaluated: 2026-01-25. Review status: criteria provided, single submitter. Criteria: Invitae Variant Classification Sherloc (09022015). Collection method: clinical testing. Allele origin: germline.
Comment: This sequence change replaces asparagine, which is neutral and polar, with aspartic acid, which is acidic and polar, at codon 32 of the APC protein (p.Asn32Asp). This variant is present in population databases (rs587781972, gnomAD 0.0009%). This variant has not been reported in the literature in individuals affected with APC-related conditions. ClinVar contains an entry for this variant (Variation ID: 141735). Invitae Evidence Modeling of protein sequence and biophysical properties (such as structural, functional, and spatial information, amino acid conservation, physicochemical variation, residue mobility, and thermodynamic stability) indicates that this missense variant is not expected to disrupt APC protein function with a negative predictive value of 95%. In summary, the available evidence is currently insufficient to determine the role of this variant in disease. Therefore, it has been classified as a Variant of Uncertain Significance.

Ambry Genetics
Classification: Uncertain significance for Hereditary cancer-predisposing syndrome. Last evaluated: 2025-02-24. Review status: criteria provided, single submitter. Criteria: Ambry Variant Classification Scheme 2023. Collection method: clinical testing. Allele origin: germline.
Comment: The p.N32D variant (also known as c.94A>G), located in coding exon 1 of the APC gene, results from an A to G substitution at nucleotide position 94. The asparagine at codon 32 is replaced by aspartic acid, an amino acid with highly similar properties. This amino acid position is highly conserved on sequence alignment. In addition, in silico predictors for this gene do not accurately predict pathogenicity. Since supporting evidence is limited at this time, the clinical significance of this alteration remains unclear. Missense alterations in APC are not a common cause of disease (Spier I et al. Genet Med. 2024 Feb;26(2):100992). Based on the available evidence, the clinical significance of this variant remains unclear.

Baylor Genetics
Classification: Uncertain significance for Familial adenomatous polyposis 1. Last evaluated: 2023-09-13. Review status: criteria provided, single submitter. Criteria: ACMG Guidelines, 2015. Collection method: clinical testing. Allele origin: unknown.